The following is an entry in ClinVar:

ClinVar aggregate classification (germline): Benign/Likely benign. Review status: criteria provided, multiple submitters, no conflicts (2 of 4 stars). 3 submissions from 2 submitters: Benign (1); Likely benign (2). Last evaluated 2025-07-09.

Conditions:
Angiokeratoma corporis diffusum with arteriovenous fistulas. Identifiers: MedGen C1838141, MONDO:0010885, OMIM 600419.
Cerebral cavernous malformation (CCM). Also called: Cerebral cavernous malformations; Cavernous Hemangioma of Brain; Cerebral cavernous hemangioma (type); CAVERNOUS ANGIOMA, FAMILIAL; CAVERNOUS ANGIOMATOUS MALFORMATIONS; CEREBRAL CAPILLARY MALFORMATIONS. Identifiers: Orphanet 221061, MedGen C2919945, MONDO:0000820, OMIM 116860, HP:0033522.

Allele frequency attached by ClinVar (database versions not stated): gnomAD 0.00026; TOPMed 0.00035; ESP Exome Variant Server 0.00085.
gnomAD v4.1: 104 of 1,490,844 alleles (0.007%); highest among the groups gnomAD compares: African/African-American, 0.12%; no homozygotes.

Submissions (3):

Labcorp Genetics (formerly Invitae), Labcorp
Classification: Likely benign for Cerebral cavernous malformation. Last evaluated: 2025-07-09. Review status: criteria provided, single submitter. Criteria: Invitae Variant Classification Sherloc (09022015). Collection method: clinical testing. Allele origin: germline.

Illumina Laboratory Services, Illumina
Classification: Benign for Angiokeratoma corporis diffusum with arteriovenous fistulas. Last evaluated: 2018-01-13. Review status: criteria provided, single submitter. Criteria: ICSL Variant Classification Criteria 13 December 2019. Collection method: clinical testing. Allele origin: germline.
Comment: This variant was observed in the ICSL laboratory as part of a predisposition screen in an ostensibly healthy population. It had not been previously curated by ICSL or reported in the Human Gene Mutation Database (HGMD: prior to June 1st, 2018), and was therefore a candidate for classification through an automated scoring system. Utilizing variant allele frequency, disease prevalence and penetrance estimates, and inheritance mode, an automated score was calculated to assess if this variant is too frequent to cause the disease. Based on the score and internal cut-off values, a variant classified as benign is not then subjected to further curation. The score for this variant resulted in a classification of benign for this disease.

Illumina Laboratory Services, Illumina
Classification: Likely benign for Cerebral cavernous malformation. Last evaluated: 2018-01-13. Review status: criteria provided, single submitter. Criteria: ICSL Variant Classification Criteria 13 December 2019. Collection method: clinical testing. Allele origin: germline.
Comment: This variant was observed in the ICSL laboratory as part of a predisposition screen in an ostensibly healthy population. It had not been previously curated by ICSL or reported in the Human Gene Mutation Database (HGMD: prior to June 1st, 2018), and was therefore a candidate for classification through an automated scoring system. Utilizing variant allele frequency, disease prevalence and penetrance estimates, and inheritance mode, an automated score was calculated to assess if this variant is too frequent to cause the disease. Based on the score and internal cut-off values, a variant classified as likely benign is not then subjected to further curation. The score for this variant resulted in a classification of likely benign for this disease.

NM_194454.3(KRIT1):c.845+10C>T

Gene: KRIT1 (KRIT1 ankyrin repeat containing; minus strand). Cytogenetic location: 7q21.2.
Variant type: single nucleotide variant.
Coding change: c.845+10C>T on transcript NM_194454.3 (MANE Select); 10 bases into the intron after coding-DNA position 845, C replaced by T.
Molecular consequence: intron variant.
Genome position (GRCh38, 1-based): chr7:92,234,798, G>A on the plus strand (C>T on the coding strand, the complement: KRIT1 is on the minus strand). VCF-style: chr7-92234798-G-A. GRCh37 (hg19) VCF-style: chr7-91864112-G-A.
Other names: c.845+10C>T (NM_001350672.1, NM_001350676.1, NM_001350673.1 and 29 more transcripts); c.131+10C>T (NM_001350671.1).
Identifiers: ClinVar variation 734824 (VCV000734824.8), dbSNP rs372125478, ClinGen allele CA4339298.
Genomic context (GRCh38, chr7:92,234,798, plus strand): 5'-TTTTAAACAATACTTTAAATTAGAATGTAAGTTTTTATAAAAGCAATGTGGAGTAAAACC[G>A]AAACAGTACTTGTCTTCTGTGACACTGCTCATGCTTCTCTGCCATTTTTCCTGTTTAGGT-3'